The following is an entry in ClinVar:

NM_004119.3(FLT3):c.46G>C (p.Val16Leu)

Gene: FLT3 (fms related receptor tyrosine kinase 3; minus strand). Cytogenetic location: 13q12.2.
Variant type: single nucleotide variant.
Coding change: c.46G>C on transcript NM_004119.3 (MANE Select); coding-DNA position 46, G replaced by C.
Protein change: p.Val16Leu; replaces valine 16 with leucine.
Molecular consequence: missense variant. On other transcripts: non-coding transcript variant (1).
Genome position (GRCh38, 1-based): chr13:28,070,610, C>G on the plus strand (G>C on the coding strand, the complement: FLT3 is on the minus strand). VCF-style: chr13-28070610-C-G. GRCh37 (hg19) VCF-style: chr13-28644747-C-G.
Other names: short protein forms V16L.
Identifiers: ClinVar variation 134436 (VCV000134436.5), dbSNP rs62636526, ClinGen allele CA159813.

ClinVar aggregate classification (germline): Likely benign. Review status: criteria provided, single submitter (1 of 4 stars). 2 submissions from 2 submitters: Likely benign (1). 1 of the submissions does not count toward it. Last evaluated 2019-12-31.

Allele frequency attached by ClinVar (database versions not stated): gnomAD exomes 0.00022 and 0.00059; ExAC 0.00074; 1000 Genomes Project 0.00120; 1000 Genomes Project 30x 0.00172; gnomAD 0.00227 and 0.00245; TOPMed 0.00240; ESP Exome Variant Server 0.00277.
gnomAD v4.1: 657 of 1,596,374 alleles (0.041%); highest among the groups gnomAD compares: African/African-American, 0.81%; 4 homozygotes.

Submissions (2):

Labcorp Genetics (formerly Invitae), Labcorp
Classification: Likely benign. Last evaluated: 2019-12-31. Review status: criteria provided, single submitter. Criteria: Invitae Variant Classification Sherloc (09022015). Collection method: clinical testing. Allele origin: germline.

ITMI
No classification provided. Condition: AllHighlyPenetrant. Last evaluated: 2013-09-19. Review status: no classification provided. Collection method: reference population. Allele origin: germline. Not counted in ClinVar's aggregate classification.
Comment: Please see associated publication for description of ethnicities

Literature cited by the submitters: PubMed 24728327 (cited by ITMI).